The following is an entry in ClinVar:

NM_201384.3(PLEC):c.2711A>T (p.Gln904Leu)

Gene: PLEC (plectin; minus strand). Cytogenetic location: 8q24.3.
Variant type: single nucleotide variant.
Coding change: c.2711A>T on transcript NM_201384.3 (MANE Select); coding-DNA position 2711, A replaced by T.
Protein change: p.Gln904Leu; replaces glutamine 904 with leucine.
Molecular consequence: missense variant.
Genome position (GRCh38, 1-based): chr8:143,929,964, T>A on the plus strand (A>T on the coding strand, the complement: PLEC is on the minus strand). VCF-style: chr8-143929964-T-A. GRCh37 (hg19) VCF-style: chr8-145004132-T-A.
Other names: c.2792A>T, p.Gln931Leu (NM_000445.5, NM_001410941.1); c.2669A>T, p.Gln890Leu (NM_201378.4); c.2645A>T, p.Gln882Leu (NM_201379.3); c.3122A>T, p.Gln1041Leu (NM_201380.4); c.2615A>T, p.Gln872Leu (NM_201381.3); c.2711A>T, p.Gln904Leu (NM_201382.4); c.2723A>T, p.Gln908Leu (NM_201383.3); short protein forms Q1041L, Q882L, Q890L, Q904L, Q872L, Q908L, Q931L.
Identifiers: ClinVar variation 2922507 (VCV002922507.3), dbSNP rs1338953702, ClinGen allele CA372573060.

ClinVar aggregate classification (germline): Uncertain significance (1 of 4 stars; one submission).

Conditions:
Epidermolysis bullosa simplex with nail dystrophy (EBS5D). Identifiers: MedGen C4225309, MONDO:0014661, OMIM 616487.
Epidermolysis bullosa simplex, Ogna type (EBS5A). Also called: EPIDERMOLYSIS BULLOSA SIMPLEX 5A, OGNA TYPE; Pidermolysis bullosa simplex 5A, Ogna type. Identifiers: Orphanet 79401, MedGen C0432317, MONDO:0007555, OMIM 131950.
Epidermolysis bullosa simplex 5C, with pyloric atresia (EBS5C). Also called: PLEC1-Related Epidermolysis Bullosa with Pyloric Atresia; PLEC-Related Epidermolysis Bullosa with Pyloric Atresia; Epidermolysis bullosa simplex with pyloric atresia. Identifiers: Orphanet 158684, MedGen C2677349, MONDO:0012807, OMIM 612138.
Autosomal recessive limb-girdle muscular dystrophy type 2Q (LGMDR17). Also called: MUSCULAR DYSTROPHY, LIMB-GIRDLE, AUTOSOMAL RECESSIVE 17. Identifiers: Orphanet 254361, MedGen C3150989, MONDO:0013390, OMIM 613723.
Epidermolysis bullosa simplex 5B, with muscular dystrophy (EBS5B). Also called: EPIDERMOLYSIS BULLOSA SIMPLEX AND LIMB-GIRDLE MUSCULAR DYSTROPHY; Epidermolysis bullosa simplex with muscular dystrophy. Identifiers: Orphanet 257, MedGen C2931072, MONDO:0009181, OMIM 226670.

Allele frequency attached by ClinVar (database versions not stated): gnomAD 0.00001; TOPMed 0.00001.
gnomAD v4.1: 2 of 1,611,158 alleles (0.00012%); highest among the groups gnomAD compares: Non-Finnish European, 0.00017%; no homozygotes.

Submission:

Labcorp Genetics (formerly Invitae), Labcorp
Classification: Uncertain significance for Autosomal recessive limb-girdle muscular dystrophy type 2Q; Epidermolysis bullosa simplex, Ogna type; Epidermolysis bullosa simplex with nail dystrophy; Epidermolysis bullosa simplex 5C, with pyloric atresia; Epidermolysis bullosa simplex 5B, with muscular dystrophy. Last evaluated: 2023-03-30. Review status: criteria provided, single submitter. Criteria: Invitae Variant Classification Sherloc (09022015). Collection method: clinical testing. Allele origin: germline.
Comment: In summary, the available evidence is currently insufficient to determine the role of this variant in disease. Therefore, it has been classified as a Variant of Uncertain Significance. Advanced modeling of protein sequence and biophysical properties (such as structural, functional, and spatial information, amino acid conservation, physicochemical variation, residue mobility, and thermodynamic stability) performed at Invitae indicates that this missense variant is not expected to disrupt PLEC protein function. This variant has not been reported in the literature in individuals affected with PLEC-related conditions. This variant is not present in population databases (gnomAD no frequency). This sequence change replaces glutamine, which is neutral and polar, with leucine, which is neutral and non-polar, at codon 931 of the PLEC protein (p.Gln931Leu).